The following is an entry in ClinVar:

ClinVar aggregate classification (germline): Uncertain significance (1 of 4 stars; one submission).

gnomAD v4.1: 6 of 1,610,062 alleles (0.00037%); highest among the groups gnomAD compares: Non-Finnish European, 0.00042%; no homozygotes.

Submission:

Labcorp Genetics (formerly Invitae), Labcorp
Classification: Uncertain significance. Last evaluated: 2025-09-19. Review status: criteria provided, single submitter. Criteria: Invitae Variant Classification Sherloc (09022015). Collection method: clinical testing. Allele origin: germline.
Comment: This sequence change replaces methionine, which is neutral and non-polar, with arginine, which is basic and polar, at codon 92 of the IFT88 protein (p.Met92Arg). This variant is not present in population databases (gnomAD no frequency). This variant has not been reported in the literature in individuals affected with IFT88-related conditions. An algorithm developed to predict the effect of missense changes on protein structure and function (PolyPhen-2) suggests that this variant is likely to be tolerated. In summary, the available evidence is currently insufficient to determine the role of this variant in disease. Therefore, it has been classified as a Variant of Uncertain Significance.

NM_006531.5(IFT88):c.248T>G (p.Met83Arg)

Gene: IFT88 (intraflagellar transport 88; plus strand). Cytogenetic location: 13q12.11.
Variant type: single nucleotide variant.
Coding change: c.248T>G on transcript NM_006531.5 (MANE Select); coding-DNA position 248, T replaced by G.
Protein change: p.Met83Arg; replaces methionine 83 with arginine.
Molecular consequence: missense variant. On other transcripts: 5 prime UTR variant (1), non-coding transcript variant (5).
Genome position (GRCh38, 1-based): chr13:20,591,004, T>G. VCF-style: chr13-20591004-T-G. GRCh37 (hg19) VCF-style: chr13-21165143-T-G.
Other names: c.191T>G, p.Met64Arg (NM_001318491.2, NM_001353573.2, NM_001353574.2 and 1 more transcripts); c.275T>G, p.Met92Arg (NM_001318493.2, NM_001353565.2, NM_001353566.2 and 6 more transcripts); c.248T>G, p.Met83Arg (NM_001353568.2, NM_001353571.2, NM_001353572.2 and 1 more transcripts); c.-316T>G (NM_001353579.2); short protein forms M92R, M64R, M83R.
Identifiers: ClinVar variation 4698789 (VCV004698789.1).